The following is an entry in ClinVar:

ClinVar aggregate classification (germline): Uncertain significance (1 of 4 stars; one submission).

gnomAD v4.1: 16 of 1,610,468 alleles (0.00099%); highest among the groups gnomAD compares: Non-Finnish European, 0.0014%; no homozygotes.

Submission:

Women's Health and Genetics/Laboratory Corporation of America, LabCorp
Classification: Uncertain significance. Last evaluated: 2026-05-15. Review status: criteria provided, single submitter. Criteria: LabCorp Variant Classification Summary - May 2015. Collection method: clinical testing. Allele origin: germline.
Comment: Variant summary: PKD1 c.9646A>C (p.Asn3216His) results in a conservative amino acid change in the encoded protein sequence. Algorithms developed to predict the effect of missense changes on protein structure and function are either unavailable or do not agree on the potential impact of this missense change. The variant allele was found at a frequency of 8.1e-06 in 246640 control chromosomes (gnomAD). The available data on variant occurrences in the general population are insufficient to allow any conclusion about variant significance. To our knowledge, no occurrence of c.9646A>C in individuals affected with PKD1-related conditions and no experimental evidence demonstrating its impact on protein function have been reported. No submitters have cited clinical-significance assessments for this variant to ClinVar. Based on the evidence outlined above, the variant was classified as uncertain significance.

NM_001009944.3(PKD1):c.9646A>C (p.Asn3216His)

Gene: PKD1 (polycystin 1, transient receptor potential channel interacting; minus strand). Cytogenetic location: 16p13.3.
Variant type: single nucleotide variant.
Coding change: c.9646A>C on transcript NM_001009944.3 (MANE Select); coding-DNA position 9646, A replaced by C.
Protein change: p.Asn3216His; replaces asparagine 3216 with histidine.
Molecular consequence: missense variant.
Genome position (GRCh38, 1-based): chr16:2,100,232, T>G on the plus strand (A>C on the coding strand, the complement: PKD1 is on the minus strand). VCF-style: chr16-2100232-T-G. GRCh37 (hg19) VCF-style: chr16-2150233-T-G.
Other names: c.9646A>C, p.Asn3216His (NM_000296.4); short protein forms N3216H.
Identifiers: ClinVar variation 4853050 (VCV004853050.1).
Genomic context (GRCh38, chr16:2,100,232, plus strand): 5'-CCAGCACCTCCTTCTCCACCAGGCCCCCGTTGGCCTCCGTCTCCACCGAAAGCCAGTCAT[T>G]GACCAGGAAGAAGGCGCTGCGTGCCGTCTGCAGGTCCCTGACGATGACGTGCTGCAGGAA-3'
Protein context (NP_001009944.3, residues 3206-3226): QTARSAFFLV[Asn3216His]DWLSVETEAN